The following is an entry in ClinVar:

ClinVar aggregate classification (germline): Uncertain significance. Review status: criteria provided, multiple submitters, no conflicts (2 of 4 stars). 2 submissions from 2 submitters: Uncertain significance (2). Last evaluated 2024-08-06.

Conditions:
Short-rib thoracic dysplasia 13 with or without polydactyly (SRTD13). Identifiers: Orphanet 474, MedGen C4225378, MONDO:0014577, OMIM 616300.

Allele frequency attached by ClinVar (database versions not stated): TOPMed 0.00006.
gnomAD v4.1: 73 of 1,593,438 alleles (0.0046%); highest among the groups gnomAD compares: South Asian, 0.036%; 1 homozygote.

Submissions (2):

Blueprint Genetics
Classification: Uncertain significance. Last evaluated: 2024-08-06. Review status: criteria provided, single submitter. Criteria: ACMG Guidelines, 2015. Collection method: clinical testing. Allele origin: germline.

Labcorp Genetics (formerly Invitae), Labcorp
Classification: Uncertain significance for Short-rib thoracic dysplasia 13 with or without polydactyly. Last evaluated: 2022-04-13. Review status: criteria provided, single submitter. Criteria: Invitae Variant Classification Sherloc (09022015). Collection method: clinical testing. Allele origin: germline.
Comment: This sequence change replaces arginine, which is basic and polar, with histidine, which is basic and polar, at codon 611 of the CEP120 protein (p.Arg611His). This variant is present in population databases (rs758625645, gnomAD 0.04%). This variant has not been reported in the literature in individuals affected with CEP120-related conditions. ClinVar contains an entry for this variant (Variation ID: 942076). Algorithms developed to predict the effect of missense changes on protein structure and function (SIFT, PolyPhen-2, Align-GVGD) all suggest that this variant is likely to be tolerated. In summary, the available evidence is currently insufficient to determine the role of this variant in disease. Therefore, it has been classified as a Variant of Uncertain Significance.

NM_001375405.1(CEP120):c.1832G>A (p.Arg611His)

Gene: CEP120 (centrosomal protein 120; minus strand). Cytogenetic location: 5q23.2.
Variant type: single nucleotide variant.
Coding change: c.1832G>A on transcript NM_001375405.1 (MANE Select); coding-DNA position 1832, G replaced by A.
Protein change: p.Arg611His; replaces arginine 611 with histidine.
Molecular consequence: missense variant. On other transcripts: non-coding transcript variant (1).
Genome position (GRCh38, 1-based): chr5:123,383,014, C>T on the plus strand (G>A on the coding strand, the complement: CEP120 is on the minus strand). VCF-style: chr5-123383014-C-T. GRCh37 (hg19) VCF-style: chr5-122718708-C-T.
Other names: c.1754G>A, p.Arg585His (NM_001166226.2); c.1697G>A, p.Arg566His (NM_001375406.1); c.1832G>A, p.Arg611His (NM_001375407.1, NM_153223.4); c.1259G>A, p.Arg420His (NM_001375408.1, NM_001375409.1); short protein forms R420H, R585H, R566H, R611H.
Identifiers: ClinVar variation 942076 (VCV000942076.4), dbSNP rs758625645, ClinGen allele CA3386854.